The following is an entry in ClinVar:

NM_032578.4(MYPN):c.92A>C (p.Glu31Ala)

Gene: MYPN (myopalladin; plus strand). Cytogenetic location: 10q21.3.
Variant type: single nucleotide variant.
Coding change: c.92A>C on transcript NM_032578.4 (MANE Select); coding-DNA position 92, A replaced by C.
Protein change: p.Glu31Ala; replaces glutamic acid 31 with alanine.
Molecular consequence: missense variant. On other transcripts: 5 prime UTR variant (1), non-coding transcript variant (1).
Genome position (GRCh38, 1-based): chr10:68,121,530, A>C. VCF-style: chr10-68121530-A-C. GRCh37 (hg19) VCF-style: chr10-69881287-A-C.
Other names: c.92A>C, p.Glu31Ala (NM_001256267.2); c.-1031A>C (NM_001256268.2); short protein forms E31A.
Identifiers: ClinVar variation 3602401 (VCV003602401.1).
Genomic context (GRCh38, chr10:68,121,530, plus strand): 5'-CCATATCTCAGCTTCTAAGAGAGAGCTATTTAGCTGAAACCAGACATCGGGGAAACAATG[A>C]GAGGAGTCGAGCGGAGCCCTCCTCCAACCCTTGCCATTTCGGCAGTCCTTCTGGGGCCGC-3'
Protein context (NP_115967.2, residues 21-41): LAETRHRGNN[Glu31Ala]RSRAEPSSNP

ClinVar aggregate classification (germline): Uncertain significance (1 of 4 stars; one submission).

gnomAD v4.1: 9 of 1,614,202 alleles (0.00056%); highest among the groups gnomAD compares: South Asian, 0.0044%; no homozygotes.

Submission:

GeneDx
Classification: Uncertain significance. Last evaluated: 2024-07-29. Review status: criteria provided, single submitter. Criteria: GeneDx Variant Classification Process June 2021. Collection method: clinical testing. Allele origin: germline. Affected: yes.
Comment: Has not been previously published as pathogenic or benign to our knowledge; Not observed at significant frequency in large population cohorts (gnomAD); In silico analysis indicates that this missense variant does not alter protein structure/function